The following is an entry in ClinVar:

ClinVar aggregate classification (germline): Pathogenic (1 of 4 stars; one submission).

Conditions:
Neurofibromatosis, type 1 (NF1). Also called: Peripheral type neurofibromatosis; VON RECKLINGHAUSEN DISEASE; Neurofibromatosis, type I; NEUROFIBROMATOSIS, TYPE I, SOMATIC. Identifiers: Orphanet 636, MedGen C0027831, MONDO:0018975, OMIM 162200. Disease mechanism: loss of function.

Submission:

Labcorp Genetics (formerly Invitae), Labcorp
Classification: Pathogenic for Neurofibromatosis, type 1. Last evaluated: 2024-04-16. Review status: criteria provided, single submitter. Criteria: Invitae Variant Classification Sherloc (09022015). Collection method: clinical testing. Allele origin: germline.
Comment: This sequence change creates a premature translational stop signal (p.Thr1730Profs*14) in the NF1 gene. It is expected to result in an absent or disrupted protein product. Loss-of-function variants in NF1 are known to be pathogenic (PMID: 10712197, 23913538). This variant is not present in population databases (gnomAD no frequency). This variant has not been reported in the literature in individuals affected with NF1-related conditions. For these reasons, this variant has been classified as Pathogenic.

Literature cited by the submitters: PubMed 10712197; PubMed 23913538.

NM_001042492.3(NF1):c.5251del (p.Thr1751fs)

Gene: NF1 (neurofibromin 1; plus strand). Cytogenetic location: 17q11.2.
Variant type: Deletion.
Coding change: c.5251del on transcript NM_001042492.3 (MANE Select); coding-DNA position 5251, one base deleted (A; older notation c.5251delA).
Protein change: p.Thr1751fs; shifts the reading frame from threonine 1751.
Molecular consequence: frameshift variant.
Genome position (GRCh38, 1-based): chr17:31,326,235, A deleted. VCF-style (leftmost placement, unchanged base first): chr17-31326234-CA-C. GRCh37 (hg19) VCF-style: chr17-29653252-CA-C.
Other names: c.5188delA, p.Thr1730Profs (NM_000267.4); short protein forms T1730fs, T1751fs.
Identifiers: ClinVar variation 3650071 (VCV003650071.2).